The following is an entry in ClinVar:

ClinVar aggregate classification (germline): Uncertain significance (1 of 4 stars; one submission).

Conditions:
3-methylglutaconic aciduria, type VIIB (MGCA7B). Also called: 3-methylglutaconic aciduria with cataracts, neurologic involvement and neutropenia; 3-methylglutaconic aciduria, type VII, with cataracts, neurologic involvement and neutropenia; CLPB Deficiency. Identifiers: Orphanet 445038, MedGen C5676893, MONDO:0014561, OMIM 616271.

Allele frequency attached by ClinVar (database versions not stated): gnomAD exomes below 0.00001; ExAC 0.00001.
gnomAD v4.1: 5 of 1,614,158 alleles (0.00031%); highest among the groups gnomAD compares: Non-Finnish European, 0.00042%; no homozygotes.

Submission:

Labcorp Genetics (formerly Invitae), Labcorp
Classification: Uncertain significance for 3-methylglutaconic aciduria, type VIIB. Last evaluated: 2020-10-19. Review status: criteria provided, single submitter. Criteria: Invitae Variant Classification Sherloc (09022015). Collection method: clinical testing. Allele origin: germline.
Comment: In summary, the available evidence is currently insufficient to determine the role of this variant in disease. Therefore, it has been classified as a Variant of Uncertain Significance. Algorithms developed to predict the effect of missense changes on protein structure and function are either unavailable or do not agree on the potential impact of this missense change (SIFT: "Tolerated"; PolyPhen-2: "Probably Damaging"; Align-GVGD: "Class C0"). This variant has not been reported in the literature in individuals with CLPB-related conditions. This variant is present in population databases (rs778078736, ExAC 0.001%). This sequence change replaces phenylalanine with leucine at codon 540 of the CLPB protein (p.Phe540Leu). The phenylalanine residue is highly conserved and there is a small physicochemical difference between phenylalanine and leucine.

NM_001258392.3(CLPB):c.1530C>G (p.Phe510Leu)

Gene: CLPB (ClpB family mitochondrial disaggregase; minus strand). Cytogenetic location: 11q13.4.
Variant type: single nucleotide variant.
Coding change: c.1530C>G on transcript NM_001258392.3 (MANE Select); coding-DNA position 1530, C replaced by G.
Protein change: p.Phe510Leu; replaces phenylalanine 510 with leucine.
Molecular consequence: missense variant.
Genome position (GRCh38, 1-based): chr11:72,294,650, G>C on the plus strand (C>G on the coding strand, the complement: CLPB is on the minus strand). VCF-style: chr11-72294650-G-C. GRCh37 (hg19) VCF-style: chr11-72005694-G-C.
Other names: c.1443C>G, p.Phe481Leu (NM_001258393.3); c.1485C>G, p.Phe495Leu (NM_001258394.3); c.1620C>G, p.Phe540Leu (NM_030813.6); short protein forms F481L, F495L, F510L, F540L.
Identifiers: ClinVar variation 1016590 (VCV001016590.9), dbSNP rs778078736, ClinGen allele CA6171135.